The following is an entry in ClinVar:

ClinVar aggregate classification (germline): Pathogenic (1 of 4 stars; one submission).

Conditions:
Birt-Hogg-Dube syndrome. Also called: Birt Hogg Dubé syndrome. Identifiers: Orphanet 122, MedGen C0346010, MONDO:0800444.

Submission:

Labcorp Genetics (formerly Invitae), Labcorp
Classification: Pathogenic for Birt-Hogg-Dube syndrome. Last evaluated: 2024-04-29. Review status: criteria provided, single submitter. Criteria: Invitae Variant Classification Sherloc (09022015). Collection method: clinical testing. Allele origin: germline.
Comment: This sequence change creates a premature translational stop signal (p.Val441Profs*14) in the FLCN gene. It is expected to result in an absent or disrupted protein product. Loss-of-function variants in FLCN are known to be pathogenic (PMID: 15852235). This variant is not present in population databases (gnomAD no frequency). This variant has not been reported in the literature in individuals affected with FLCN-related conditions. For these reasons, this variant has been classified as Pathogenic.

Literature cited by the submitters: PubMed 15852235.

NM_144997.7(FLCN):c.1321_1322del (p.Val441fs)

Gene: FLCN (folliculin; minus strand). Cytogenetic location: 17p11.2.
Variant type: Deletion.
Coding change: c.1321_1322del on transcript NM_144997.7 (MANE Select); coding-DNA positions 1321 to 1322, 2 bases deleted (GT; older notation c.1321_1322delGT).
Protein change: p.Val441fs; shifts the reading frame from valine 441.
Molecular consequence: frameshift variant.
Genome position (GRCh38, 1-based): chr17:17,215,295-17,215,296, AC deleted on the plus strand (GT on the coding strand, the reverse complement: FLCN is on the minus strand). VCF-style (leftmost placement, unchanged base first): chr17-17215294-GAC-G. GRCh37 (hg19) VCF-style: chr17-17118608-GAC-G.
Other names: c.1375_1376del, p.Val459fs (NM_001353229.2); c.1321_1322del, p.Val441fs (NM_001353230.2, NM_001353231.2); short protein forms V441fs, V459fs.
Identifiers: ClinVar variation 2990748 (VCV002990748.3), dbSNP rs2544148536, ClinGen allele CA2740095282.
Genomic context (GRCh38, chr17:17,215,294, plus strand): 5'-GCTGAGAGACTGGTCATCCTCACACCCCACAGGGTGGAGGGTGGAACGTGCGGCTGCGTG[GAC>G]CTCCACGATGACAGCAAACTCTGTAACAACACAAGGCCCGTGGCTCCTCATCTCCCCCAT-3'